The following is an entry in ClinVar:

ClinVar aggregate classification (germline): Uncertain significance. Review status: criteria provided, multiple submitters, no conflicts (2 of 4 stars). 2 submissions from 2 submitters: Uncertain significance (2). Last evaluated 2025-02-05.

Conditions:
Alstrom syndrome (ALMS). Identifiers: Orphanet 64, MedGen C0268425, MONDO:0008763, OMIM 203800.
ALMS1-related disorder. Also called: ALMS1-related condition.

Allele frequency attached by ClinVar (database versions not stated): TOPMed below 0.00001.

Submissions (2):

Labcorp Genetics (formerly Invitae), Labcorp
Classification: Uncertain significance for Alstrom syndrome. Last evaluated: 2025-02-05. Review status: criteria provided, single submitter. Criteria: Invitae Variant Classification Sherloc (09022015). Collection method: clinical testing. Allele origin: germline.
Comment: This sequence change replaces proline with serine at codon 94 of the ALMS1 protein (p.Pro94Ser). The proline residue is moderately conserved and there is a moderate physicochemical difference between proline and serine. This variant is not present in population databases (gnomAD no frequency). This variant has not been reported in the literature in individuals affected with ALMS1-related conditions. ClinVar contains an entry for this variant (Variation ID: 1962647). Experimental studies and prediction algorithms are not available or were not evaluated, and the functional significance of this variant is currently unknown. In summary, the available evidence is currently insufficient to determine the role of this variant in disease. Therefore, it has been classified as a Variant of Uncertain Significance.

PreventionGenetics, part of Exact Sciences
Classification: Uncertain significance for ALMS1-related condition. Last evaluated: 2023-09-05. Review status: criteria provided, single submitter. Criteria: ACMG Guidelines, 2015. Collection method: clinical testing. Allele origin: germline.
Comment: The ALMS1 c.280C>T variant is predicted to result in the amino acid substitution p.Pro94Ser. To our knowledge, this variant has not been reported in the literature. This variant is reported in 0.12% of alleles in individuals of Latino descent in gnomAD. Although we suspect that this variant may be benign, at this time, the clinical significance of this variant is uncertain due to the absence of conclusive functional and genetic evidence.

NM_001378454.1(ALMS1):c.277C>T (p.Pro93Ser)

Gene: ALMS1 (ALMS1 centrosome and basal body associated protein; plus strand). Cytogenetic location: 2p13.1.
Variant type: single nucleotide variant.
Coding change: c.277C>T on transcript NM_001378454.1 (MANE Select); coding-DNA position 277, C replaced by T.
Protein change: p.Pro93Ser; replaces proline 93 with serine.
Molecular consequence: missense variant.
Genome position (GRCh38, 1-based): chr2:73,386,145, C>T. VCF-style: chr2-73386145-C-T. GRCh37 (hg19) VCF-style: chr2-73613273-C-T.
Other names: c.280C>T, p.Pro94Ser (NM_015120.4); short protein forms P94S, P93S.
Identifiers: ClinVar variation 1962647 (VCV001962647.4), dbSNP rs1172074121, ClinGen allele CA347250979.